The following is an entry in ClinVar:

NM_001197104.2(KMT2A):c.3597G>A (p.Trp1199Ter)

Gene: KMT2A (lysine methyltransferase 2A; plus strand). Cytogenetic location: 11q23.3.
Variant type: single nucleotide variant.
Coding change: c.3597G>A on transcript NM_001197104.2 (MANE Select); coding-DNA position 3597, G replaced by A.
Protein change: p.Trp1199Ter; replaces tryptophan 1199 with a stop codon.
Molecular consequence: nonsense.
Genome position (GRCh38, 1-based): chr11:118,480,201, G>A. VCF-style: chr11-118480201-G-A. GRCh37 (hg19) VCF-style: chr11-118350916-G-A.
Other names: c.3696G>A, p.Trp1232Ter (NM_001412597.1); c.3597G>A, p.Trp1199Ter (NM_005933.4); short protein forms W1199*, W1232*.
Identifiers: ClinVar variation 4526419 (VCV004526419.1).

ClinVar aggregate classification (germline): Pathogenic (1 of 4 stars; one submission).

Conditions:
Wiedemann-Steiner syndrome (WDSTS). Also called: Growth deficiency and mental retardation with facial dysmorphism. Identifiers: Orphanet 319182, MedGen C1854630, MONDO:0011518, OMIM 605130.

Submission:

Department of Human Genetics, SALK University Hospital, Paracelsus Medical University Salzburg
Classification: Pathogenic for Wiedemann-Steiner syndrome. Last evaluated: 2025-11-03. Review status: criteria provided, single submitter. Criteria: ACMG Guidelines, 2015. Collection method: clinical testing. Allele origin: de novo. Inheritance: Autosomal dominant inheritance. Affected: yes.
Comment: De novo nonsense variant predicted to result in protein truncation or nonsense mediated decay in a gene for which loss-of-function is a known mechanism of disease. Not observed at significant frequency in large population cohorts (gnomAD v4.1.0). The following ACMG criteria were applied in classifying this variant: PVS1, PM2, PS2. This variant scored 13 points (13P-0B) using the point system described in PMID:32720330.

Literature cited by the submitters: PubMed 29203834; PubMed 33043602; PubMed 32720330.